The following is an entry in ClinVar:

ClinVar aggregate classification (germline): Uncertain significance. Review status: criteria provided, multiple submitters, no conflicts (2 of 4 stars). 4 submissions from 4 submitters: Uncertain significance (4). Last evaluated 2026-07-07.

Conditions:
Familial thoracic aortic aneurysm and aortic dissection (TAAD). Also called: Thoracic aortic aneurysms and dissections. Identifiers: Orphanet 91387, MedGen C4707243, MONDO:0019625.
Aortic aneurysm, familial thoracic 4 (AAT4). Also called: AORTIC ANEURYSM/AORTIC DISSECTION AND PATENT DUCTUS ARTERIOSUS. Identifiers: MedGen C1851504, MONDO:0007568, OMIM 132900.

Allele frequency attached by ClinVar (database versions not stated): gnomAD 0.00001; gnomAD exomes below 0.00001; TOPMed below 0.00001.
gnomAD v4.1: 7 of 1,614,030 alleles (0.00043%); highest among the groups gnomAD compares: South Asian, 0.0011%; no homozygotes.

Submissions (4):

Ambry Genetics
Classification: Uncertain significance for Familial thoracic aortic aneurysm and aortic dissection. Last evaluated: 2026-07-07. Review status: criteria provided, single submitter. Criteria: Ambry Variant Classification Scheme 2023. Collection method: clinical testing. Allele origin: germline.
Comment: The p.N717S variant (also known as c.2150A>G), located in coding exon 16 of the MYH11 gene, results from an A to G substitution at nucleotide position 2150. The asparagine at codon 717 is replaced by serine, an amino acid with highly similar properties. This amino acid position is conserved. In addition, the in silico prediction for this alteration is inconclusive. Based on the available evidence, the clinical significance of this variant remains unclear.

Labcorp Genetics (formerly Invitae), Labcorp
Classification: Uncertain significance for Aortic aneurysm, familial thoracic 4. Last evaluated: 2025-11-09. Review status: criteria provided, single submitter. Criteria: Invitae Variant Classification Sherloc (09022015). Collection method: clinical testing. Allele origin: germline.
Comment: This sequence change replaces asparagine, which is neutral and polar, with serine, which is neutral and polar, at codon 724 of the MYH11 protein (p.Asn724Ser). This variant is not present in population databases (gnomAD no frequency). This variant has not been reported in the literature in individuals affected with MYH11-related conditions. ClinVar contains an entry for this variant (Variation ID: 3074377). Invitae Evidence Modeling of protein sequence and biophysical properties (such as structural, functional, and spatial information, amino acid conservation, physicochemical variation, residue mobility, and thermodynamic stability) indicates that this missense variant is not expected to disrupt MYH11 protein function with a negative predictive value of 95%. In summary, the available evidence is currently insufficient to determine the role of this variant in disease. Therefore, it has been classified as a Variant of Uncertain Significance.

Color Diagnostics, LLC DBA Color Health
Classification: Uncertain significance for Familial thoracic aortic aneurysm and aortic dissection. Last evaluated: 2025-08-04. Review status: criteria provided, single submitter. Criteria: ACMG Guidelines, 2015. Collection method: clinical testing. Allele origin: germline.
Comment: This missense variant replaces asparagine with serine at codon 724 of the MYH11 protein. Computational prediction suggests that this variant may have deleterious impact on protein structure and function. To our knowledge, functional studies have not been reported for this variant. This variant has not been reported in individuals affected with MYH11-related disorders in the literature. This variant has not been identified in the general population by the Genome Aggregation Database (gnomAD). The available evidence is insufficient to determine the role of this variant in disease conclusively. Therefore, this variant is classified as a Variant of Uncertain Significance.

All of Us Research Program, National Institutes of Health
Classification: Uncertain significance for Familial thoracic aortic aneurysm and aortic dissection. Last evaluated: 2023-11-02. Review status: criteria provided, single submitter. Criteria: ACMG Guidelines, 2015. Collection method: clinical testing. Allele origin: germline. Inheritance: Autosomal dominant inheritance. Observed: 1 variant allele, 1 heterozygote.
Comment: This missense variant replaces asparagine with serine at codon 724 of the MYH11 protein. Computational prediction suggests that this variant may have deleterious impact on protein structure and function (internally defined REVEL score threshold >= 0.7, PMID: 27666373). To our knowledge, functional studies have not been reported for this variant. This variant has not been reported in individuals affected with MYH11-related disorders in the literature. This variant has not been identified in the general population by the Genome Aggregation Database (gnomAD). The available evidence is insufficient to determine the role of this variant in disease conclusively. Therefore, this variant is classified as a Variant of Uncertain Significance.

This study involves interpretation of variants in research participants for the purpose of population health screening. Participant phenotype was not available at the time of variant classification. Additional details can be found in publication PMID: 35346344, PMCID: PMC8962531

NM_002474.3(MYH11):c.2150A>G (p.Asn717Ser)

Gene: MYH11 (myosin heavy chain 11; minus strand). Cytogenetic location: 16p13.11.
Variant type: single nucleotide variant.
Coding change: c.2150A>G on transcript NM_002474.3 (MANE Select); coding-DNA position 2150, A replaced by G.
Protein change: p.Asn717Ser; replaces asparagine 717 with serine.
Molecular consequence: missense variant.
Genome position (GRCh38, 1-based): chr16:15,748,077, T>C on the plus strand (A>G on the coding strand, the complement: MYH11 is on the minus strand). VCF-style: chr16-15748077-T-C. GRCh37 (hg19) VCF-style: chr16-15841934-T-C.
Other names: c.2171A>G, p.Asn724Ser (NM_001040113.2, NM_001040114.2); c.2150A>G, p.Asn717Ser (NM_022844.3); c.2150A>G (NM_002474.2); short protein forms N717S, N724S.
Identifiers: ClinVar variation 3074377 (VCV003074377.5), dbSNP rs1567724574, ClinGen allele CA394868020.